The following is an entry in ClinVar:

NM_152783.5(D2HGDH):c.567G>A (p.Pro189=)

Gene: D2HGDH (D-2-hydroxyglutarate dehydrogenase; plus strand). Cytogenetic location: 2q37.3.
Variant type: single nucleotide variant.
Coding change: c.567G>A on transcript NM_152783.5 (MANE Select); coding-DNA position 567, G replaced by A.
Protein change: p.Pro189=; no amino-acid change (proline 189 retained).
Molecular consequence: synonymous variant. On other transcripts: non-coding transcript variant (1).
Genome position (GRCh38, 1-based): chr2:241,743,698, G>A. VCF-style: chr2-241743698-G-A. GRCh37 (hg19) VCF-style: chr2-242683113-G-A.
Other names: p.Pro189=; c.165G>A, p.Pro55= (NM_001287249.2); c.6G>A, p.Pro2= (NM_001352824.2).
Identifiers: ClinVar variation 335314 (VCV000335314.20), dbSNP rs140447217, ClinGen allele CA2221709.
Genomic context (GRCh38, chr2:241,743,698, plus strand): 5'-GGCGGGCTGCGTCCTGGAGGAGCTGAGCCGGTATGTGGAGGAACGGGACTTCATCATGCC[G>A]CTGGACTTAGGAGCCAAGGGCAGCTGCCACATCGGGGGAAACGTGGCAACCAACGCTGGA-3'
Protein context (NP_689996.4, residues 179-199): RYVEERDFIM[Pro189=]LDLGAKGSCH

ClinVar aggregate classification (germline): Conflicting classifications of pathogenicity. Review status: criteria provided, conflicting classifications (1 of 4 stars). 6 submissions from 6 submitters: Uncertain significance (1); Likely benign (4). 1 of the submissions does not count toward it. Last evaluated 2025-05-07.

Conditions:
D2HGDH-related disorder. Also called: D2HGDH-related condition.
D-2-hydroxyglutaric aciduria 1 (D2HGA1). Identifiers: Orphanet 79315, MedGen C3152055, MONDO:0024554, OMIM 600721.

Allele frequency attached by ClinVar (database versions not stated): 1000 Genomes Project 30x 0.00031; gnomAD 0.00007 and 0.00009; TOPMed 0.00010; ESP Exome Variant Server 0.00015; 1000 Genomes Project 0.00020.
gnomAD v4.1: 129 of 1,613,944 alleles (0.008%); highest among the groups gnomAD compares: South Asian, 0.049%; no homozygotes.

Submissions (6):

Mayo Clinic Laboratories, Mayo Clinic
Classification: Likely benign. Last evaluated: 2025-05-07. Review status: criteria provided, single submitter. Criteria: ACMG Guidelines, 2015. Collection method: clinical testing. Allele origin: germline. Observed: 1 variant allele.
Comment: BP4, BP7

Blueprint Genetics
Classification: Likely benign. Last evaluated: 2024-08-29. Review status: criteria provided, single submitter. Criteria: ACMG Guidelines, 2015. Collection method: clinical testing. Allele origin: germline.

Labcorp Genetics (formerly Invitae), Labcorp
Classification: Likely benign for D-2-hydroxyglutaric aciduria 1. Last evaluated: 2022-08-15. Review status: criteria provided, single submitter. Criteria: Invitae Variant Classification Sherloc (09022015). Collection method: clinical testing. Allele origin: germline.

Genetic Services Laboratory, University of Chicago
Classification: Likely benign. Last evaluated: 2019-02-13. Review status: criteria provided, single submitter. Criteria: ACMG Guidelines, 2015. Collection method: clinical testing. Allele origin: germline. Affected: no.

Illumina Laboratory Services, Illumina
Classification: Uncertain significance for D-2-hydroxyglutaric aciduria 1. Last evaluated: 2018-01-13. Review status: criteria provided, single submitter. Criteria: ICSL Variant Classification Criteria 13 December 2019. Collection method: clinical testing. Allele origin: germline.

PreventionGenetics, part of Exact Sciences
Classification: Likely benign for D2HGDH-related condition. Last evaluated: 2019-08-22. Review status: no assertion criteria provided. Collection method: clinical testing. Allele origin: germline. Not counted in ClinVar's aggregate classification.
Comment: This variant is classified as likely benign based on ACMG/AMP sequence variant interpretation guidelines (Richards et al. 2015 PMID: 25741868, with internal and published modifications).